The following is an entry in ClinVar:

ClinVar aggregate classification (germline): Uncertain significance (1 of 4 stars; one submission).

Submission:

Labcorp Genetics (formerly Invitae), Labcorp
Classification: Uncertain significance. Last evaluated: 2020-11-17. Review status: criteria provided, single submitter. Criteria: Invitae Variant Classification Sherloc (09022015). Collection method: clinical testing. Allele origin: germline.
Comment: This sequence change replaces valine with phenylalanine at codon 733 of the CAMTA1 protein (p.Val733Phe). The valine residue is weakly conserved and there is a small physicochemical difference between valine and phenylalanine. This variant is not present in population databases (ExAC no frequency). This variant has not been reported in the literature in individuals with CAMTA1-related conditions. Algorithms developed to predict the effect of missense changes on protein structure and function (SIFT, PolyPhen-2, Align-GVGD) all suggest that this variant is likely to be tolerated, but these predictions have not been confirmed by published functional studies and their clinical significance is uncertain. In summary, the available evidence is currently insufficient to determine the role of this variant in disease. Therefore, it has been classified as a Variant of Uncertain Significance.

NM_015215.4(CAMTA1):c.2197G>T (p.Val733Phe)

Gene: CAMTA1 (calmodulin binding transcription activator 1; plus strand). Cytogenetic location: 1p36.23.
Variant type: single nucleotide variant.
Coding change: c.2197G>T on transcript NM_015215.4 (MANE Select); coding-DNA position 2197, G replaced by T.
Protein change: p.Val733Phe; replaces valine 733 with phenylalanine.
Molecular consequence: missense variant.
Genome position (GRCh38, 1-based): chr1:7,664,744, G>T. VCF-style: chr1-7664744-G-T. GRCh37 (hg19) VCF-style: chr1-7724804-G-T.
Other names: c.2107G>T, p.Val703Phe (NM_001349608.2, NM_001349612.2); c.2197G>T, p.Val733Phe (NM_001349609.2, NM_001349610.2); short protein forms V733F, V703F.
Identifiers: ClinVar variation 1483644 (VCV001483644.1), dbSNP rs112057223, ClinGen allele CA338132971.